The following is an entry in ClinVar:

NM_000051.4(ATM):c.6348-12C>T

Genes: C11orf65 (chromosome 11 open reading frame 65; minus strand), ATM (ATM serine/threonine kinase; plus strand). Cytogenetic location: 11q22.3.
Variant type: single nucleotide variant.
Coding change: c.6348-12C>T on transcript NM_000051.4 (MANE Select); 12 bases into the intron before coding-DNA position 6348, C replaced by T.
Molecular consequence: intron variant.
Genome position (GRCh38, 1-based): chr11:108,319,942, C>T. VCF-style: chr11-108319942-C-T. GRCh37 (hg19) VCF-style: chr11-108190669-C-T.
Other names: c.6348-12C>T (NM_001351834.2); c.641-10871G>A (NM_001330368.2); c.*39-10871G>A (NM_001351110.2).
Identifiers: ClinVar variation 383551 (VCV000383551.10), dbSNP rs1057521664, ClinGen allele CA16606843.

ClinVar aggregate classification (germline): Likely benign. Review status: criteria provided, multiple submitters, no conflicts (2 of 4 stars). 4 submissions from 4 submitters: Likely benign (4). Last evaluated 2024-06-05.

Conditions:
Ataxia-telangiectasia syndrome (AT). Also called: Ataxia-telangiectasia, complementation group D; Ataxia-telangiectasia, complementation group E; LOUIS-BAR SYNDROME; AT, COMPLEMENTATION GROUP C; ATAXIA-TELANGIECTASIA, COMPLEMENTATION GROUP A; ATAXIA-TELANGIECTASIA, FRESNO VARIANT. Identifiers: Orphanet 100, MedGen C0004135, MONDO:0008840, OMIM 208900.
Hereditary cancer-predisposing syndrome. Also called: Neoplastic Syndromes, Hereditary; Hereditary neoplastic syndrome; Hereditary Cancer Syndrome; Tumor predisposition. Identifiers: Orphanet 140162, MedGen C0027672, MeSH D009386, MONDO:0015356.
Familial cancer of breast. Also called: hereditary breast carcinoma; Hereditary breast cancer; BREAST CANCER, FAMILIAL. Identifiers: Orphanet 227535, MedGen C0346153, MONDO:0016419, OMIM 114480. Disease mechanism: loss of function.

Allele frequency attached by ClinVar (database versions not stated): gnomAD 0.00001 and below 0.00001.

Submissions (4):

Myriad Genetics, Inc.
Classification: Likely benign for Familial cancer of breast. Last evaluated: 2024-06-05. Review status: criteria provided, single submitter. Criteria: Myriad Autosomal Dominant, Autosomal Recessive and X-Linked Classification Criteria (2023). Collection method: clinical testing. Allele origin: unknown.
Comment: This variant is considered likely benign. This variant is intronic and is not expected to impact mRNA splicing.

Labcorp Genetics (formerly Invitae), Labcorp
Classification: Likely benign for Ataxia-telangiectasia syndrome. Last evaluated: 2023-01-02. Review status: criteria provided, single submitter. Criteria: Invitae Variant Classification Sherloc (09022015). Collection method: clinical testing. Allele origin: germline.

GeneDx
Classification: Likely benign. Last evaluated: 2016-03-30. Review status: criteria provided, single submitter. Criteria: GeneDx Variant Classification (06012015). Collection method: clinical testing. Allele origin: germline. Affected: yes.
Comment: This variant is considered likely benign or benign based on one or more of the following criteria: it is a conservative change, it occurs at a poorly conserved position in the protein, it is predicted to be benign by multiple in silico algorithms, and/or has population frequency not consistent with disease.

Color Diagnostics, LLC DBA Color Health
Classification: Likely benign for Hereditary cancer-predisposing syndrome. Last evaluated: 2015-09-17. Review status: criteria provided, single submitter. Criteria: ACMG Guidelines, 2015. Collection method: clinical testing. Allele origin: germline.